The following is an entry in ClinVar:

ClinVar aggregate classification (germline): Benign. Review status: criteria provided, multiple submitters, no conflicts (2 of 4 stars). 3 submissions from 3 submitters: Benign (3). Last evaluated 2026-02-01.

Allele frequency attached by ClinVar (database versions not stated): gnomAD exomes 0.00181; ExAC 0.00210; 1000 Genomes Project 30x 0.00640; ESP Exome Variant Server 0.00663; 1000 Genomes Project 0.00719; gnomAD 0.00754 and 0.00811; TOPMed 0.00858.
gnomAD v4.1: 2,246 of 1,613,538 alleles (0.14%); highest among the groups gnomAD compares: African/African-American, 2.6%; 37 homozygotes.

Submissions (3):

Labcorp Genetics (formerly Invitae), Labcorp
Classification: Benign. Last evaluated: 2026-02-01. Review status: criteria provided, single submitter. Criteria: Invitae Variant Classification Sherloc (09022015). Collection method: clinical testing. Allele origin: germline.

GeneDx
Classification: Benign. Last evaluated: 2016-11-23. Review status: criteria provided, single submitter. Criteria: GeneDx Variant Classification (06012015). Collection method: clinical testing. Allele origin: germline. Affected: yes.
Comment: This variant is considered likely benign or benign based on one or more of the following criteria: it is a conservative change, it occurs at a poorly conserved position in the protein, it is predicted to be benign by multiple in silico algorithms, and/or has population frequency not consistent with disease.

Breakthrough Genomics
Classification: Benign. Review status: criteria provided, single submitter. Criteria: ACMG Guidelines, 2015. Collection method: not provided. Allele origin: germline. Inheritance: Autosomal recessive inheritance. Affected: yes.

NM_001291303.3(FAT4):c.3096A>G (p.Ala1032=)

Gene: FAT4 (FAT atypical cadherin 4; plus strand). Cytogenetic location: 4q28.1.
Variant type: single nucleotide variant.
Coding change: c.3096A>G on transcript NM_001291303.3 (MANE Select); coding-DNA position 3096, A replaced by G.
Protein change: p.Ala1032=; no amino-acid change (alanine 1032 retained).
Molecular consequence: synonymous variant.
Genome position (GRCh38, 1-based): chr4:125,319,507, A>G. VCF-style: chr4-125319507-A-G. GRCh37 (hg19) VCF-style: chr4-126240662-A-G.
Other names: c.3096A>G, p.Ala1032= (NM_001291285.3, NM_024582.6).
Identifiers: ClinVar variation 385897 (VCV000385897.12), dbSNP rs57537930, ClinGen allele CA3072260.